The following is an entry in ClinVar:

ClinVar aggregate classification (germline): Uncertain significance (1 of 4 stars; one submission).

Submission:

Labcorp Genetics (formerly Invitae), Labcorp
Classification: Uncertain significance. Last evaluated: 2022-07-19. Review status: criteria provided, single submitter. Criteria: Invitae Variant Classification Sherloc (09022015). Collection method: clinical testing. Allele origin: germline.
Comment: This variant has not been reported in the literature in individuals affected with SKIV2L-related conditions. This variant, c.1721_1723del, results in the deletion of 1 amino acid(s) of the SKIV2L protein (p.Phe574del), but otherwise preserves the integrity of the reading frame. This variant is present in population databases (no rsID available, gnomAD 0.0009%). Experimental studies and prediction algorithms are not available or were not evaluated, and the functional significance of this variant is currently unknown. In summary, the available evidence is currently insufficient to determine the role of this variant in disease. Therefore, it has been classified as a Variant of Uncertain Significance.

NM_006929.5(SKIC2):c.1721_1723del (p.Phe574del)

Gene: SKIC2 (SKI2 subunit of superkiller complex; plus strand). Cytogenetic location: 6p21.33.
Variant type: Deletion.
Coding change: c.1721_1723del on transcript NM_006929.5 (MANE Select); coding-DNA positions 1721 to 1723, 3 bases deleted (TCT; older notation c.1721_1723delTCT).
Protein change: p.Phe574del; deletes phenylalanine 574.
Molecular consequence: inframe deletion.
Genome position (GRCh38, 1-based): chr6:31,963,986-31,963,988, TCT deleted; deleting any 3 consecutive bases within chr6:31,963,984-31,963,988 gives the same sequence; the c. name uses the placement nearest the transcript's 3' end. VCF-style (leftmost placement, unchanged base first): chr6-31963983-CCTT-C. GRCh37 (hg19) VCF-style: chr6-31931760-CCTT-C.
Other names: short protein forms F574del.
Identifiers: ClinVar variation 1975095 (VCV001975095.5), dbSNP rs1225716675, ClinGen allele CA566693040.